The following is an entry in ClinVar:

ClinVar aggregate classification (germline): Uncertain significance (1 of 4 stars; one submission).

Submission:

GeneDx
Classification: Uncertain significance. Last evaluated: 2022-06-06. Review status: criteria provided, single submitter. Criteria: GeneDx Variant Classification Process June 2021. Collection method: clinical testing. Allele origin: germline. Affected: yes.
Comment: Not observed at significant frequency in large population cohorts (gnomAD); In-frame deletion of 2 amino acids in a non-repeat region; In silico analysis supports a deleterious effect on protein structure/function; Has not been previously published as pathogenic or benign to our knowledge

NM_004656.4(BAP1):c.352_357del (p.Phe118_Thr119del)

Gene: BAP1 (BRCA1 associated deubiquitinase 1; minus strand). Cytogenetic location: 3p21.1.
Variant type: Deletion.
Coding change: c.352_357del on transcript NM_004656.4 (MANE Select); coding-DNA positions 352 to 357, 6 bases deleted (TTCACC; older notation c.352_357delTTCACC).
Protein change: p.Phe118_Thr119del.
Molecular consequence: inframe deletion. On other transcripts: inframe indel (1).
Genome position (GRCh38, 1-based): chr3:52,407,976-52,407,981, GGTGAA deleted on the plus strand (TTCACC on the coding strand, the reverse complement: BAP1 is on the minus strand); deleting any 6 consecutive bases within chr3:52,407,976-52,407,982 gives the same sequence; the c. name uses the placement nearest the transcript's 3' end. VCF-style (leftmost placement, unchanged base first): chr3-52407975-TGGTGAA-T. GRCh37 (hg19) VCF-style: chr3-52441991-TGGTGAA-T.
Other names: c.351_356delCTTCAC, p.Phe118_Thr119del (NM_001410772.1).
Identifiers: ClinVar variation 1802025 (VCV001802025.1), dbSNP rs2471354447, ClinGen allele CA2580070294.